The following is an entry in ClinVar:

ClinVar aggregate classification (germline): Uncertain significance (1 of 4 stars; one submission).

Conditions:
Hereditary cancer-predisposing syndrome. Also called: Neoplastic Syndromes, Hereditary; Tumor predisposition; Hereditary Cancer Syndrome; Hereditary neoplastic syndrome. Identifiers: Orphanet 140162, MedGen C0027672, MeSH D009386, MONDO:0015356.

Submission:

Ambry Genetics
Classification: Uncertain significance for Hereditary cancer-predisposing syndrome. Last evaluated: 2026-02-28. Review status: criteria provided, single submitter. Criteria: Ambry Variant Classification Scheme 2023. Collection method: clinical testing. Allele origin: germline.
Comment: The p.I282M variant (also known as c.846T>G), located in coding exon 7 of the NBN gene, results from a T to G substitution at nucleotide position 846. The isoleucine at codon 282 is replaced by methionine, an amino acid with highly similar properties. This amino acid position is conserved. In addition, this alteration is predicted to be tolerated by in silico analysis. Based on the available evidence, the clinical significance of this variant remains unclear.

NM_002485.5(NBN):c.846T>G (p.Ile282Met)

Gene: NBN (nibrin; minus strand). Cytogenetic location: 8q21.3.
Variant type: single nucleotide variant.
Coding change: c.846T>G on transcript NM_002485.5 (MANE Select); coding-DNA position 846, T replaced by G.
Protein change: p.Ile282Met; replaces isoleucine 282 with methionine.
Molecular consequence: missense variant.
Genome position (GRCh38, 1-based): chr8:89,970,414, A>C on the plus strand (T>G on the coding strand, the complement: NBN is on the minus strand). VCF-style: chr8-89970414-A-C. GRCh37 (hg19) VCF-style: chr8-90982642-A-C.
Other names: c.600T>G, p.Ile200Met (NM_001024688.3, NM_001440379.1, NM_001440380.1); short protein forms I200M, I282M.
Identifiers: ClinVar variation 4827165 (VCV004827165.1).